The following is an entry in ClinVar:

Conditions:
Long QT syndrome 5 (LQT5). Identifiers: Orphanet 101016, Orphanet 768, MedGen C1867904, MONDO:0013372, OMIM 613695.

Submission:

Roden Lab, Vanderbilt University Medical Center
No classification provided (evidence only). Condition: Long QT syndrome 5. Review status: no classification provided. Collection method: in vitro. Allele origin: not applicable. Functional consequence: Effect on ion channel function.
ClinVar note: "not provided" was previously submitted as the classification for the variant. However, the classification appeared to be based only on an observation of functional data so it was converted to no classification on 2025-07-30.

NM_000219.6(KCNE1):c.197T>G (p.Ile66Ser)

Gene: KCNE1 (potassium voltage-gated channel subfamily E regulatory subunit 1; minus strand). Cytogenetic location: 21q22.12.
Variant type: single nucleotide variant.
Coding change: c.197T>G on transcript NM_000219.6 (MANE Select); coding-DNA position 197, T replaced by G.
Protein change: p.Ile66Ser; replaces isoleucine 66 with serine.
Molecular consequence: missense variant.
Genome position (GRCh38, 1-based): chr21:34,449,438, A>C on the plus strand (T>G on the coding strand, the complement: KCNE1 is on the minus strand). VCF-style: chr21-34449438-A-C. GRCh37 (hg19) VCF-style: chr21-35821736-A-C.
Other names: c.197T>G, p.Ile66Ser (NM_001127668.4, NM_001127669.4, NM_001127670.4 and 4 more transcripts); short protein forms I66S.
Identifiers: ClinVar variation 3374307 (VCV003374307.2).